The following is an entry in ClinVar:

NM_001927.4(DES):c.478C>T (p.Arg160Trp)

Gene: DES (desmin; plus strand). Cytogenetic location: 2q35.
Variant type: single nucleotide variant.
Coding change: c.478C>T on transcript NM_001927.4 (MANE Select); coding-DNA position 478, C replaced by T.
Protein change: p.Arg160Trp; replaces arginine 160 with tryptophan.
Molecular consequence: missense variant.
Genome position (GRCh38, 1-based): chr2:219,418,940, C>T. VCF-style: chr2-219418940-C-T. GRCh37 (hg19) VCF-style: chr2-220283662-C-T.
Other names: c.478C>T, p.Arg160Trp (NM_001382708.1, NM_001382709.1, NM_001382710.1 and 3 more transcripts); short protein forms R160W.
Identifiers: ClinVar variation 4788887 (VCV004788887.1).
Genomic context (GRCh38, chr2:219,418,940, plus strand): 5'-GTGAACCGGCTCAAGGGCCGCGAGCCGACGCGAGTGGCCGAGCTCTACGAGGAGGAGCTG[C>T]GGGAGCTGCGGCGCCAGGTGGAGGTGCTCACTAACCAGCGCGCGCGCGTCGACGTCGAGC-3'
Protein context (NP_001918.3, residues 150-170): RVAELYEEEL[Arg160Trp]ELRRQVEVLT

ClinVar aggregate classification (germline): Uncertain significance (1 of 4 stars; one submission).

Conditions:
Desmin-related myofibrillar myopathy (MFM1). Also called: Desminopathy; Desmin related myopathy (former name); Desmin storage myopathy (former name); Myofibrillar myopathy 1; MYOFIBRILLAR MYOPATHY WITH ARRHYTHMOGENIC RIGHT VENTRICULAR CARDIOMYOPATHY; DESMIN-RELATED MYOPATHY WITH ARRHYTHMOGENIC RIGHT VENTRICULAR CARDIOMYOPATHY. Identifiers: Orphanet 363543, Orphanet 98909, MedGen C1832370, MONDO:0011076, OMIM 601419.

gnomAD v4.1: 6 of 1,557,184 alleles (0.00039%); highest among the groups gnomAD compares: Non-Finnish European, 0.00052%; no homozygotes.

Submission:

Labcorp Genetics (formerly Invitae), Labcorp
Classification: Uncertain significance for Desmin-related myofibrillar myopathy. Last evaluated: 2025-11-01. Review status: criteria provided, single submitter. Criteria: Invitae Variant Classification Sherloc (09022015). Collection method: clinical testing. Allele origin: germline.
Comment: This sequence change replaces arginine, which is basic and polar, with tryptophan, which is neutral and slightly polar, at codon 160 of the DES protein (p.Arg160Trp). This variant is not present in population databases (gnomAD no frequency). This variant has not been reported in the literature in individuals affected with DES-related conditions. Invitae Evidence Modeling of protein sequence and biophysical properties (such as structural, functional, and spatial information, amino acid conservation, physicochemical variation, residue mobility, and thermodynamic stability) indicates that this missense variant is expected to disrupt DES protein function with a positive predictive value of 95%. In summary, the available evidence is currently insufficient to determine the role of this variant in disease. Therefore, it has been classified as a Variant of Uncertain Significance.